The following is an entry in ClinVar:

NM_024753.5(TTC21B):c.3740A>G (p.Tyr1247Cys)

Gene: TTC21B (tetratricopeptide repeat domain 21B; minus strand). Cytogenetic location: 2q24.3.
Variant type: single nucleotide variant.
Coding change: c.3740A>G on transcript NM_024753.5 (MANE Select); coding-DNA position 3740, A replaced by G.
Protein change: p.Tyr1247Cys; replaces tyrosine 1247 with cysteine.
Molecular consequence: missense variant.
Genome position (GRCh38, 1-based): chr2:165,880,744, T>C on the plus strand (A>G on the coding strand, the complement: TTC21B is on the minus strand). VCF-style: chr2-165880744-T-C. GRCh37 (hg19) VCF-style: chr2-166737254-T-C.
Other names: short protein forms Y1247C.
Identifiers: ClinVar variation 1983308 (VCV001983308.3), dbSNP rs367841432, ClinGen allele CA1941414.

ClinVar aggregate classification (germline): Uncertain significance (1 of 4 stars; one submission).

Conditions:
Jeune thoracic dystrophy. Also called: Jeune syndrome; Infantile thoracic dystrophy; Thoracic pelvic phalangeal dystrophy; Jeune's syndrome; Chondroectodermal dysplasia-like syndrome; Short-rib thoracic dysplasia. Identifiers: Orphanet 474, MedGen C0265275, MONDO:0018770.
Nephronophthisis. Also called: Juvenile Nephronophthisis. Identifiers: Orphanet 655, MedGen C0687120, MONDO:0019005, HP:0000090.

Allele frequency attached by ClinVar (database versions not stated): gnomAD exomes below 0.00001; gnomAD 0.00001; ExAC 0.00002; TOPMed 0.00002; ESP Exome Variant Server 0.00008.
gnomAD v4.1: 8 of 1,613,236 alleles (0.0005%); highest among the groups gnomAD compares: Non-Finnish European, 0.00051%; no homozygotes.

Submission:

Labcorp Genetics (formerly Invitae), Labcorp
Classification: Uncertain significance for Jeune thoracic dystrophy; Nephronophthisis. Last evaluated: 2022-07-12. Review status: criteria provided, single submitter. Criteria: Invitae Variant Classification Sherloc (09022015). Collection method: clinical testing. Allele origin: germline.
Comment: In summary, the available evidence is currently insufficient to determine the role of this variant in disease. Therefore, it has been classified as a Variant of Uncertain Significance. Algorithms developed to predict the effect of missense changes on protein structure and function (SIFT, PolyPhen-2, Align-GVGD) all suggest that this variant is likely to be disruptive. This variant has not been reported in the literature in individuals affected with TTC21B-related conditions. This variant is present in population databases (rs367841432, gnomAD 0.003%). This sequence change replaces tyrosine, which is neutral and polar, with cysteine, which is neutral and slightly polar, at codon 1247 of the TTC21B protein (p.Tyr1247Cys).